The following is an entry in ClinVar:

ClinVar aggregate classification (germline): Uncertain significance (1 of 4 stars; one submission).

Conditions:
Primary ciliary dyskinesia. Also called: Ciliary dyskinesia. Identifiers: Orphanet 244, MedGen C0008780, MONDO:0016575, HP:0012265.

Allele frequency attached by ClinVar (database versions not stated): ESP Exome Variant Server 0.00023.
gnomAD v4.1: 88 of 1,613,988 alleles (0.0055%); highest among the groups gnomAD compares: African/African-American, 0.057%; no homozygotes.

Submission:

Labcorp Genetics (formerly Invitae), Labcorp
Classification: Uncertain significance for Primary ciliary dyskinesia. Last evaluated: 2022-08-10. Review status: criteria provided, single submitter. Criteria: Invitae Variant Classification Sherloc (09022015). Collection method: clinical testing. Allele origin: germline.
Comment: This sequence change replaces glycine, which is neutral and non-polar, with aspartic acid, which is acidic and polar, at codon 49 of the CCDC103 protein (p.Gly49Asp). This variant is present in population databases (rs148724732, gnomAD 0.06%). This variant has not been reported in the literature in individuals affected with CCDC103-related conditions. ClinVar contains an entry for this variant (Variation ID: 1506667). Algorithms developed to predict the effect of missense changes on protein structure and function output the following: SIFT: "Tolerated"; PolyPhen-2: "Benign"; Align-GVGD: "Class C0". The aspartic acid amino acid residue is found in multiple mammalian species, which suggests that this missense change does not adversely affect protein function. In summary, the available evidence is currently insufficient to determine the role of this variant in disease. Therefore, it has been classified as a Variant of Uncertain Significance.

NM_213607.3(DNAAF19):c.146G>A (p.Gly49Asp)

Gene: DNAAF19 (dynein axonemal assembly factor 19; plus strand). Cytogenetic location: 17q21.31.
Variant type: single nucleotide variant.
Coding change: c.146G>A on transcript NM_213607.3 (MANE Select); coding-DNA position 146, G replaced by A.
Protein change: p.Gly49Asp; replaces glycine 49 with aspartic acid.
Molecular consequence: missense variant.
Genome position (GRCh38, 1-based): chr17:44,901,522, G>A. VCF-style: chr17-44901522-G-A. GRCh37 (hg19) VCF-style: chr17-42978890-G-A.
Other names: c.146G>A, p.Gly49Asp (NM_001258395.2, NM_001258396.2, NM_001258397.3 and 2 more transcripts); short protein forms G49D.
Identifiers: ClinVar variation 1506667 (VCV001506667.5), dbSNP rs148724732, ClinGen allele CA8608294.
Genomic context (GRCh38, chr17:44,901,522, plus strand): 5'-CTCACACCCACAGACACAGCATTAAGTCCATTGCCTAATTTCTGTCCTTTGCCTACAGGG[G>A]TATTGTCCTTGCATCACATCTGAAGCCACTGGAGCGGAAGGATAAGATGGGAGGAAAGAG-3'
Protein context (NP_998772.1, residues 39-59): QRVASYEEFR[Gly49Asp]IVLASHLKPL